The following is an entry in ClinVar:

NM_000069.3(CACNA1S):c.1768A>G (p.Thr590Ala)

Gene: CACNA1S (calcium voltage-gated channel subunit alpha1 S; minus strand). Cytogenetic location: 1q32.1.
Variant type: single nucleotide variant.
Coding change: c.1768A>G on transcript NM_000069.3 (MANE Select); coding-DNA position 1768, A replaced by G.
Protein change: p.Thr590Ala; replaces threonine 590 with alanine.
Molecular consequence: missense variant.
Genome position (GRCh38, 1-based): chr1:201,076,979, T>C on the plus strand (A>G on the coding strand, the complement: CACNA1S is on the minus strand). VCF-style: chr1-201076979-T-C. GRCh37 (hg19) VCF-style: chr1-201046107-T-C.
Other names: short protein forms T590A.
Identifiers: ClinVar variation 934388 (VCV000934388.10), dbSNP rs1661646302, ClinGen allele CA344119755.

ClinVar aggregate classification (germline): Uncertain significance (1 of 4 stars; one submission).

Conditions:
Hypokalemic periodic paralysis, type 1. Also called: HypoPP; Hypokalemic Periodic Paralysis Type 1 (AD). Identifiers: Orphanet 681, MedGen C3714580, MONDO:0042979, OMIM 170400.
Malignant hyperthermia, susceptibility to, 5 (MHS5). Also called: CACNA1S-Related Malignant Hyperthermia Susceptibility. Identifiers: Orphanet 423, MedGen C1866077, MONDO:0011163, OMIM 601887.

Submission:

Labcorp Genetics (formerly Invitae), Labcorp
Classification: Uncertain significance for Hypokalemic periodic paralysis, type 1; Malignant hyperthermia, susceptibility to, 5. Last evaluated: 2025-08-18. Review status: criteria provided, single submitter. Criteria: Invitae Variant Classification Sherloc (09022015). Collection method: clinical testing. Allele origin: germline.
Comment: This sequence change replaces threonine, which is neutral and polar, with alanine, which is neutral and non-polar, at codon 590 of the CACNA1S protein (p.Thr590Ala). This variant is not present in population databases (gnomAD no frequency). This variant has not been reported in the literature in individuals affected with CACNA1S-related conditions. ClinVar contains an entry for this variant (Variation ID: 934388). Invitae Evidence Modeling of protein sequence and biophysical properties (such as structural, functional, and spatial information, amino acid conservation, physicochemical variation, residue mobility, and thermodynamic stability) indicates that this missense variant is not expected to disrupt CACNA1S protein function with a negative predictive value of 95%. In summary, the available evidence is currently insufficient to determine the role of this variant in disease. Therefore, it has been classified as a Variant of Uncertain Significance.